The following is an entry in ClinVar:

ClinVar aggregate classification (germline): Pathogenic (1 of 4 stars; one submission).

Conditions:
Fanconi anemia (FA). Also called: Fanconi's anemia. Identifiers: Orphanet 84, MedGen C0015625, MeSH D005199, MONDO:0019391.

Submission:

Labcorp Genetics (formerly Invitae), Labcorp
Classification: Pathogenic for Fanconi anemia. Last evaluated: 2023-03-26. Review status: criteria provided, single submitter. Criteria: Invitae Variant Classification Sherloc (09022015). Collection method: clinical testing. Allele origin: germline.
Comment: This variant has not been reported in the literature in individuals affected with FANCC-related conditions. For these reasons, this variant has been classified as Pathogenic. This variant is not present in population databases (gnomAD no frequency). This sequence change creates a premature translational stop signal (p.Ile205Serfs*19) in the FANCC gene. It is expected to result in an absent or disrupted protein product. Loss-of-function variants in FANCC are known to be pathogenic (PMID: 17924555).

Literature cited by the submitters: PubMed 17924555.

NM_000136.3(FANCC):c.612del (p.Ile205fs)

Genes: AOPEP (aminopeptidase O (putative); plus strand), FANCC (FA complementation group C; minus strand). Cytogenetic location: 9q22.32.
Variant type: Deletion.
Coding change: c.612del on transcript NM_000136.3 (MANE Select); coding-DNA position 612, one base deleted (C; older notation c.612delC).
Protein change: p.Ile205fs; shifts the reading frame from isoleucine 205.
Molecular consequence: frameshift variant.
Genome position (GRCh38, 1-based): chr9:95,149,997, G deleted on the plus strand (C on the coding strand, the reverse complement: FANCC is on the minus strand). VCF-style (leftmost placement, unchanged base first): chr9-95149996-TG-T. GRCh37 (hg19) VCF-style: chr9-97912278-TG-T.
Other names: c.612del, p.Ile205fs (NM_001243743.2, NM_001243744.2); short protein forms I205fs.
Identifiers: ClinVar variation 2849724 (VCV002849724.3), dbSNP rs2541698973, ClinGen allele CA2739269374.
Genomic context (GRCh38, chr9:95,149,996, plus strand): 5'-CGTTTACAGCCTCAAAGAACTCTGGCTGGAGGATTTCCTGAGGTTCACGTCCATGACAGA[TG>T]AGGAGAGCCTCCACCAGGGGGTCAACATCTGTCAGGGTAATAAGTGGGACACAAACTCGT-3'